The following is an entry in ClinVar:

ClinVar aggregate classification (germline): Uncertain significance (1 of 4 stars; one submission).

gnomAD v4.1: 1 of 1,614,080 alleles (0.000062%); highest among the groups gnomAD compares: Non-Finnish European, 0.000085%; no homozygotes.

Submission:

GeneDx
Classification: Uncertain significance. Last evaluated: 2025-03-18. Review status: criteria provided, single submitter. Criteria: GeneDx Variant Classification Process June 2021. Collection method: clinical testing. Allele origin: germline. Affected: yes.
Comment: Not observed at significant frequency in large population cohorts (gnomAD); In silico analysis indicates that this missense variant does not alter protein structure/function; Has not been previously published as pathogenic or benign to our knowledge

NM_001999.4(FBN2):c.6391A>T (p.Met2131Leu)

Gene: FBN2 (fibrillin 2; minus strand). Cytogenetic location: 5q23.3.
Variant type: single nucleotide variant.
Coding change: c.6391A>T on transcript NM_001999.4 (MANE Select); coding-DNA position 6391, A replaced by T.
Protein change: p.Met2131Leu; replaces methionine 2131 with leucine.
Molecular consequence: missense variant.
Genome position (GRCh38, 1-based): chr5:128,290,786, T>A on the plus strand (A>T on the coding strand, the complement: FBN2 is on the minus strand). VCF-style: chr5-128290786-T-A. GRCh37 (hg19) VCF-style: chr5-127626478-T-A.
Other names: short protein forms M2131L.
Identifiers: ClinVar variation 4086757 (VCV004086757.1).